The following is an entry in ClinVar:

NM_000038.6(APC):c.729+968A>T

Gene: APC (APC regulator of WNT signaling pathway; plus strand). Cytogenetic location: 5q22.2.
Variant type: single nucleotide variant.
Coding change: c.729+968A>T on transcript NM_000038.6 (MANE Select); 968 bases into the intron after coding-DNA position 729, A replaced by T.
Molecular consequence: intron variant.
Genome position (GRCh38, 1-based): chr5:112,793,497, A>T. VCF-style: chr5-112793497-A-T. GRCh37 (hg19) VCF-style: chr5-112129194-A-T.
Other names: c.729+968A>T (NM_001354895.2, NM_001127510.3, NM_001354896.2 and 1 more transcripts); c.759+968A>T (NM_001354897.2, NM_001354902.2); c.676-7782A>T (NM_001127511.3); c.654+968A>T (NM_001354898.2, NM_001354904.2); c.-307+968A>T (NM_001354906.2); c.646-7782A>T (NM_001354899.2); c.552+968A>T (NM_001354900.2, NM_001354901.2, NM_001354905.2).
Identifiers: ClinVar variation 83007 (VCV000083007.2), dbSNP rs75075708, ClinGen allele CA013263.

ClinVar aggregate classification (germline): other (0 of 4 stars; one submission).

Conditions:
Familial colorectal cancer. Identifiers: MedGen CN280943, MONDO:0023113. Disease mechanism: loss of function.

Submission:

Systems Biology Platform Zhejiang California International NanoSystems Institute
Classification: other for Familial colorectal cancer. Review status: no assertion criteria provided. Collection method: not provided. Allele origin: unknown.
ClinVar note: Converted during submission from cancer to other.